The following is an entry in ClinVar:

ClinVar aggregate classification (germline): Likely benign. Review status: criteria provided, multiple submitters, no conflicts (2 of 4 stars). 2 submissions from 2 submitters: Likely benign (2). Last evaluated 2025-02-20.

Conditions:
Familial focal epilepsy with variable foci (FPEVF). Identifiers: Orphanet 98820, MedGen C1858477, MONDO:0020310.

Allele frequency attached by ClinVar (database versions not stated): gnomAD exomes below 0.00001.
gnomAD v4.1: 11 of 1,614,150 alleles (0.00068%); highest among the groups gnomAD compares: Middle Eastern, 0.033%; no homozygotes.

Submissions (2):

Labcorp Genetics (formerly Invitae), Labcorp
Classification: Likely benign for Familial focal epilepsy with variable foci. Last evaluated: 2025-02-20. Review status: criteria provided, single submitter. Criteria: Invitae Variant Classification Sherloc (09022015). Collection method: clinical testing. Allele origin: germline.

CeGaT Center for Human Genetics Tuebingen
Classification: Likely benign. Last evaluated: 2024-01-01. Review status: criteria provided, single submitter. Criteria: CeGaT Center For Human Genetics Tuebingen Variant Classification Criteria Version 2. Collection method: clinical testing. Allele origin: germline. Affected: yes. Observed: 4 variant alleles.
Comment: DEPDC5: BP4, BP7

NM_001242896.3(DEPDC5):c.2850A>G (p.Pro950=)

Gene: DEPDC5 (DEP domain containing 5, GATOR1 subcomplex subunit; plus strand). Cytogenetic location: 22q12.3.
Variant type: single nucleotide variant.
Coding change: c.2850A>G on transcript NM_001242896.3 (MANE Select); coding-DNA position 2850, A replaced by G.
Protein change: p.Pro950=; no amino-acid change (proline 950 retained).
Molecular consequence: synonymous variant. On other transcripts: non-coding transcript variant (5).
Genome position (GRCh38, 1-based): chr22:31,845,066, A>G. VCF-style: chr22-31845066-A-G. GRCh37 (hg19) VCF-style: chr22-32241052-A-G.
Other names: c.2823A>G, p.Pro941= (NM_001136029.4, NM_001369903.1, NM_014662.6); c.2616A>G, p.Pro872= (NM_001242897.2, NM_001363854.2, NM_001364319.2); c.2850A>G, p.Pro950= (NM_001363852.2, NM_001364318.2, NM_001364320.2); c.2766A>G, p.Pro922= (NM_001369901.1, NM_001369902.1).
Identifiers: ClinVar variation 1156656 (VCV001156656.42), dbSNP rs1422399658, ClinGen allele CA514267519.